The following is an entry in ClinVar:

NM_001353921.2(ARHGEF9):c.172G>C (p.Asp58His)

Gene: ARHGEF9 (Cdc42 guanine nucleotide exchange factor 9; minus strand). Cytogenetic location: Xq11.1.
Variant type: single nucleotide variant.
Coding change: c.172G>C on transcript NM_001353921.2 (MANE Select); coding-DNA position 172, G replaced by C.
Protein change: p.Asp58His; replaces aspartic acid 58 with histidine.
Molecular consequence: missense variant. On other transcripts: 5 prime UTR variant (2), intron variant (6).
Genome position (GRCh38, 1-based): chrX:63,724,570, C>G on the plus strand (G>C on the coding strand, the complement: ARHGEF9 is on the minus strand). VCF-style: chrX-63724570-C-G. GRCh37 (hg19) VCF-style: chrX-62944450-C-G.
Other names: c.88G>C, p.Asp30His (NM_001330495.2, NM_001353927.2, NM_001369033.1 and 8 more transcripts); c.172G>C, p.Asp58His (NM_001353922.2); c.190G>C, p.Asp64His (NM_001353923.1); c.151G>C, p.Asp51His (NM_001353928.2, NM_001369030.1, NM_001369031.1 and 2 more transcripts); c.-292G>C (NM_001369042.1); c.-532G>C (NM_001369045.1); c.31-18121G>C (NM_001173479.2); c.10-18121G>C (NM_001369040.1, NM_001369039.1, NM_001353926.2 and 1 more transcripts); and 1 more; short protein forms D51H, D30H, D58H, D64H.
Identifiers: ClinVar variation 934069 (VCV000934069.10), dbSNP rs374489713, ClinGen allele CA413403927.
Genomic context (GRCh38, chrX:63,724,570, plus strand): 5'-GAGAGTGAAGACTGACACTCACCCTCACAAAGCTGGCAGGAAACCATCCCTCCTCATCGT[C>G]GATCTGGCCCCACCACCAATCCTTGTTGGAAGCATCCAAGACTTTGATGACGTCGCCAGC-3'
Protein context (NP_001340850.1, residues 48-68): SNKDWWWGQI[Asp58His]DEEGWFPASF

ClinVar aggregate classification (germline): Uncertain significance (1 of 4 stars; one submission).

Conditions:
Developmental and epileptic encephalopathy, 8 (DEE8). Also called: HYPEREKPLEXIA AND EPILEPSY. Identifiers: Orphanet 163985, Orphanet 2076, MedGen C1845102, MONDO:0010375, OMIM 300607.

Submission:

Labcorp Genetics (formerly Invitae), Labcorp
Classification: Uncertain significance for Developmental and epileptic encephalopathy, 8. Last evaluated: 2019-09-08. Review status: criteria provided, single submitter. Criteria: Invitae Variant Classification Sherloc (09022015). Collection method: clinical testing. Allele origin: germline.
Comment: In summary, the available evidence is currently insufficient to determine the role of this variant in disease. Therefore, it has been classified as a Variant of Uncertain Significance. Algorithms developed to predict the effect of missense changes on protein structure and function are either unavailable or do not agree on the potential impact of this missense change (SIFT: "Deleterious"; PolyPhen-2: "Probably Damaging"; Align-GVGD: "Class C0"). This variant has not been reported in the literature in individuals with ARHGEF9-related conditions. This variant is not present in population databases (ExAC no frequency). This sequence change replaces aspartic acid with histidine at codon 51 of the ARHGEF9 protein (p.Asp51His). The aspartic acid residue is moderately conserved and there is a moderate physicochemical difference between aspartic acid and histidine.